The following is an entry in ClinVar:

ClinVar aggregate classification (germline): Uncertain significance (1 of 4 stars; one submission).

Conditions:
Hereditary cancer-predisposing syndrome. Also called: Neoplastic Syndromes, Hereditary; Tumor predisposition; Hereditary neoplastic syndrome; Hereditary Cancer Syndrome. Identifiers: Orphanet 140162, MedGen C0027672, MeSH D009386, MONDO:0015356.

Submission:

Ambry Genetics
Classification: Uncertain significance for Hereditary cancer-predisposing syndrome. Last evaluated: 2026-07-06. Review status: criteria provided, single submitter. Criteria: Ambry Variant Classification Scheme 2023. Collection method: clinical testing. Allele origin: germline.
Comment: The p.Q235R variant (also known as c.704A>G), located in coding exon 7 of the BMPR1A gene, results from an A to G substitution at nucleotide position 704. The glutamine at codon 235 is replaced by arginine, an amino acid with highly similar properties. This amino acid position is conserved. In addition, the in silico prediction for this alteration is inconclusive. Based on the available evidence, the clinical significance of this variant remains unclear.

NM_004329.3(BMPR1A):c.704A>G (p.Gln235Arg)

Gene: BMPR1A (bone morphogenetic protein receptor type 1A; plus strand). Cytogenetic location: 10q23.2.
Variant type: single nucleotide variant.
Coding change: c.704A>G on transcript NM_004329.3 (MANE Select); coding-DNA position 704, A replaced by G.
Protein change: p.Gln235Arg; replaces glutamine 235 with arginine.
Molecular consequence: missense variant. On other transcripts: non-coding transcript variant (3).
Genome position (GRCh38, 1-based): chr10:86,917,162, A>G. VCF-style: chr10-86917162-A-G. GRCh37 (hg19) VCF-style: chr10-88676919-A-G.
Other names: c.704A>G, p.Gln235Arg (NM_001406582.1, NM_001406561.1, NM_001406562.1 and 19 more transcripts); c.698A>G, p.Gln233Arg (NM_001406583.1); c.620A>G, p.Gln207Arg (NM_001406584.1, NM_001406585.1, NM_001406586.1 and 2 more transcripts); c.362A>G, p.Gln121Arg (NM_001406589.1); c.779A>G, p.Gln260Arg (NM_001406559.1); c.752A>G, p.Gln251Arg (NM_001406560.1); short protein forms Q207R, Q260R, Q233R, Q121R, Q235R, Q251R.
Identifiers: ClinVar variation 5032982 (VCV005032982.1).
Genomic context (GRCh38, chr10:86,917,162, plus strand): 5'-AGAGCTCAAACCTTTTACTTTTTTCTATAAAGGTTCAGCGAACTATTGCCAAACAGATTC[A>G]GATGGTCCGGCAAGTTGGTAAAGGCCGATATGGAGAAGTATGGATGGGCAAATGGCGTGG-3'
Protein context (NP_004320.2, residues 225-245): LVQRTIAKQI[Gln235Arg]MVRQVGKGRY